The following is an entry in ClinVar:

NM_016373.4(WWOX):c.1072A>C (p.Thr358Pro)

Genes: MAF (MAF bZIP transcription factor; minus strand), WWOX (WW domain containing oxidoreductase; plus strand). Cytogenetic location: 16q23.2.
Variant type: single nucleotide variant.
Coding change: c.1072A>C on transcript NM_016373.4 (MANE Select); coding-DNA position 1072, A replaced by C.
Protein change: p.Thr358Pro; replaces threonine 358 with proline.
Molecular consequence: missense variant.
Genome position (GRCh38, 1-based): chr16:79,211,623, A>C. VCF-style: chr16-79211623-A-C. GRCh37 (hg19) VCF-style: chr16-79245520-A-C.
Other names: c.733A>C, p.Thr245Pro (NM_001291997.2); short protein forms T358P, T245P.
Identifiers: ClinVar variation 582502 (VCV000582502.6), dbSNP rs1567624901, ClinGen allele CA396536958.

ClinVar aggregate classification (germline): Uncertain significance (1 of 4 stars; one submission).

Conditions:
Autosomal recessive spinocerebellar ataxia 12. Also called: SPINOCEREBELLAR ATAXIA WITH MENTAL RETARDATION AND EPILEPSY. Identifiers: Orphanet 284282, MedGen C3280452, MONDO:0013687, OMIM 614322.
Developmental and epileptic encephalopathy, 1 (DEE1). Also called: X-linked infantile spasms; West's syndrome; Tonic spasms with clustering, arrest of psychomotor development and hypsarrhythmia on EEG; X-Linked Infantile Spasm Syndrome; OHTAHARA SYNDROME, X-LINKED; INFANTILE SPASM SYNDROME, X-LINKED 1. Identifiers: MedGen C3463992, MONDO:0010632, OMIM 308350. Disease mechanism: loss of function.

gnomAD v4.1: 1 of 1,614,126 alleles (0.000062%); highest among the groups gnomAD compares: Admixed American, 0.0017%; no homozygotes.

Submission:

Labcorp Genetics (formerly Invitae), Labcorp
Classification: Uncertain significance for Developmental and epileptic encephalopathy, 1; Autosomal recessive spinocerebellar ataxia 12. Last evaluated: 2022-02-05. Review status: criteria provided, single submitter. Criteria: Invitae Variant Classification Sherloc (09022015). Collection method: clinical testing. Allele origin: germline.
Comment: This sequence change replaces threonine, which is neutral and polar, with proline, which is neutral and non-polar, at codon 358 of the WWOX protein (p.Thr358Pro). This variant is not present in population databases (gnomAD no frequency). This variant has not been reported in the literature in individuals affected with WWOX-related conditions. ClinVar contains an entry for this variant (Variation ID: 582502). Algorithms developed to predict the effect of missense changes on protein structure and function are either unavailable or do not agree on the potential impact of this missense change (SIFT: "Not Available"; PolyPhen-2: "Probably Damaging"; Align-GVGD: "Not Available"). In summary, the available evidence is currently insufficient to determine the role of this variant in disease. Therefore, it has been classified as a Variant of Uncertain Significance.